The following is an entry in ClinVar:

NM_022132.5(MCCC2):c.1217-7C>G

Gene: MCCC2 (methylcrotonyl-CoA carboxylase subunit 2; plus strand). Cytogenetic location: 5q13.2.
Variant type: single nucleotide variant.
Coding change: c.1217-7C>G on transcript NM_022132.5 (MANE Select); 7 bases into the intron before coding-DNA position 1217, C replaced by G.
Molecular consequence: intron variant.
Genome position (GRCh38, 1-based): chr5:71,649,090, C>G. VCF-style: chr5-71649090-C-G. GRCh37 (hg19) VCF-style: chr5-70944917-C-G.
Other names: c.1103-7C>G (NM_001363147.1).
Identifiers: ClinVar variation 507552 (VCV000507552.24), dbSNP rs148369119, ClinGen allele CA3298085.

ClinVar aggregate classification (germline): Conflicting classifications of pathogenicity. Review status: criteria provided, conflicting classifications (1 of 4 stars). 7 submissions from 7 submitters: Uncertain significance (1); Benign (1); Likely benign (4). 1 of the submissions does not count toward it. Last evaluated 2026-01-28.

Conditions:
MCCC2-related disorder. Also called: MCCC2-related condition.
3-methylcrotonyl-CoA carboxylase 2 deficiency. Also called: METHYLCROTONYLGLYCINURIA, TYPE II; 3 alpha methylcrotonyl-CoA carboxylase 2 deficiency; 3 alpha methylcrotonylglycinuria 2; MCC 2 deficiency; Methylcrotonylglycinuria type 2. Identifiers: Orphanet 6, MedGen C1859499, MONDO:0008862, OMIM 210210.

Allele frequency attached by ClinVar (database versions not stated): gnomAD exomes 0.00017 and 0.00050; ExAC 0.00059; gnomAD 0.00167 and 0.00171; TOPMed 0.00181; ESP Exome Variant Server 0.00192; 1000 Genomes Project 0.00260; 1000 Genomes Project 30x 0.00265.
gnomAD v4.1: 523 of 1,614,172 alleles (0.032%); highest among the groups gnomAD compares: African/African-American, 0.56%; no homozygotes.

Submissions (8):

Labcorp Genetics (formerly Invitae), Labcorp
Classification: Benign for 3-methylcrotonyl-CoA carboxylase 2 deficiency. Last evaluated: 2026-01-28. Review status: criteria provided, single submitter. Criteria: Invitae Variant Classification Sherloc (09022015). Collection method: clinical testing. Allele origin: germline.

PreventionGenetics, part of Exact Sciences
Classification: Likely benign for MCCC2-related condition. Last evaluated: 2025-12-11. Review status: criteria provided, single submitter. Criteria: ACMG Guidelines, 2015. Collection method: clinical testing. Allele origin: germline.
Comment: This variant is classified as likely benign based on ACMG/AMP sequence variant interpretation guidelines (Richards et al. 2015 PMID: 25741868, with internal and published modifications).

Women's Health and Genetics/Laboratory Corporation of America, LabCorp
Classification: Likely benign. Last evaluated: 2025-06-17. Review status: criteria provided, single submitter. Criteria: LabCorp Variant Classification Summary - May 2015. Collection method: clinical testing. Allele origin: germline.

Blueprint Genetics
Classification: Likely benign. Last evaluated: 2024-09-13. Review status: criteria provided, single submitter. Criteria: ACMG Guidelines, 2015. Collection method: clinical testing. Allele origin: germline.

Illumina Laboratory Services, Illumina
Classification: Uncertain significance for 3-methylcrotonyl-CoA carboxylase 2 deficiency. Last evaluated: 2018-02-09. Review status: criteria provided, single submitter. Criteria: ICSL Variant Classification Criteria 13 December 2019. Collection method: clinical testing. Allele origin: germline.

GeneDx
Classification: Likely benign. Last evaluated: 2017-02-27. Review status: criteria provided, single submitter. Criteria: GeneDx Variant Classification (06012015). Collection method: clinical testing. Allele origin: germline. Affected: yes.
Comment: This variant is considered likely benign or benign based on one or more of the following criteria: it is a conservative change, it occurs at a poorly conserved position in the protein, it is predicted to be benign by multiple in silico algorithms, and/or has population frequency not consistent with disease.

Natera, Inc.
Classification: Likely benign for 3-methylcrotonyl-CoA carboxylase 2 deficiency. Last evaluated: 2019-12-17. Review status: no assertion criteria provided. Collection method: clinical testing. Allele origin: germline. Not counted in ClinVar's aggregate classification.

Dr. Peter K. Rogan Lab, Western University
No classification provided (evidence only). Condition: Uterine carcinosarcoma. Review status: no classification provided. Collection method: in vitro. Allele origin: not applicable. Functional consequence: retained intron. Not counted in ClinVar's aggregate classification.